The following is an entry in ClinVar:

ClinVar aggregate classification (germline): Benign/Likely benign. Review status: criteria provided, multiple submitters, no conflicts (2 of 4 stars). 3 submissions from 3 submitters: Benign (1); Likely benign (2). Last evaluated 2026-05-04.

Conditions:
Colorectal cancer, hereditary nonpolyposis, type 7. Identifiers: Orphanet 144, MedGen C1858380, MONDO:0013725, OMIM 614385.

Allele frequency attached by ClinVar (database versions not stated): gnomAD 0.00001; TOPMed 0.00001.
gnomAD v4.1: 1 of 1,613,934 alleles (0.000062%); highest among the groups gnomAD compares: Admixed American, 0.0017%; no homozygotes.

Submissions (3):

Myriad Genetics, Inc.
Classification: Benign for Colorectal cancer, hereditary nonpolyposis, type 7. Last evaluated: 2026-05-04. Review status: criteria provided, single submitter. Criteria: Myriad Autosomal Dominant, Autosomal Recessive and X-Linked Classification Criteria (2023). Collection method: clinical testing. Allele origin: unknown.
Comment: This variant is considered benign. This variant is a silent/synonymous amino acid change and it is not expected to impact splicing.

Labcorp Genetics (formerly Invitae), Labcorp
Classification: Likely benign for Colorectal cancer, hereditary nonpolyposis, type 7. Last evaluated: 2025-11-09. Review status: criteria provided, single submitter. Criteria: Invitae Variant Classification Sherloc (09022015). Collection method: clinical testing. Allele origin: germline.

Ambry Genetics
Classification: Likely benign. Last evaluated: 2020-08-08. Review status: criteria provided, single submitter. Criteria: Ambry Variant Classification Scheme 2023. Collection method: clinical testing. Allele origin: germline.

NM_001040108.2(MLH3):c.2334C>G (p.Val778=)

Gene: MLH3 (mutL homolog 3; minus strand). Cytogenetic location: 14q24.3.
Variant type: single nucleotide variant.
Coding change: c.2334C>G on transcript NM_001040108.2 (MANE Select); coding-DNA position 2334, C replaced by G.
Protein change: p.Val778=; no amino-acid change (valine 778 retained).
Molecular consequence: synonymous variant.
Genome position (GRCh38, 1-based): chr14:75,047,322, G>C on the plus strand (C>G on the coding strand, the complement: MLH3 is on the minus strand). VCF-style: chr14-75047322-G-C. GRCh37 (hg19) VCF-style: chr14-75514025-G-C.
Other names: c.2334C>G, p.Val778= (NM_014381.3).
Identifiers: ClinVar variation 1789754 (VCV001789754.5), dbSNP rs1305037146, ClinGen allele CA487273733.
Genomic context (GRCh38, chr14:75,047,322, plus strand): 5'-TAAGCGGTTCTTGTCCTTCAGCAGAATGTCAGGTTCAACTTGAAGACTGAGATTGGTAGT[G>C]ACTCCATTACTTTCCTCTACTTCTGTATCCAGAGGATTTTCAACCTTCCCATATTGCCTC-3'
Protein context (NP_001035197.1, residues 768-788): LDTEVEESNG[Val778=]TTNLSLQVEP